The following is an entry in ClinVar:

NM_000214.3(JAG1):c.1615C>T (p.Gln539Ter)

Gene: JAG1 (jagged canonical Notch ligand 1; minus strand). Cytogenetic location: 20p12.2.
Variant type: single nucleotide variant.
Coding change: c.1615C>T on transcript NM_000214.3 (MANE Select); coding-DNA position 1615, C replaced by T.
Protein change: p.Gln539Ter; replaces glutamine 539 with a stop codon.
Molecular consequence: nonsense.
Genome position (GRCh38, 1-based): chr20:10,648,065, G>A on the plus strand (C>T on the coding strand, the complement: JAG1 is on the minus strand). VCF-style: chr20-10648065-G-A. GRCh37 (hg19) VCF-style: chr20-10628713-G-A.
Other names: c.1615C>T, p.Gln539Ter (LRG_1191t1); short protein forms Q539*.
Identifiers: ClinVar variation 488807 (VCV000488807.3), dbSNP rs1555828577, ClinGen allele CA408236940.

ClinVar aggregate classification (germline): Pathogenic. Review status: criteria provided, multiple submitters, no conflicts (2 of 4 stars). 2 submissions from 2 submitters: Pathogenic (2). Last evaluated 2023-11-13.

Conditions:
JAG1-related disorder. Also called: JAG1-related disorders; JAG1-related condition.

Submissions (2):

Blueprint Genetics
Classification: Pathogenic for JAG1-related disorders. Last evaluated: 2023-11-13. Review status: criteria provided, single submitter. Criteria: ACMG Guidelines, 2015. Collection method: clinical testing. Allele origin: de novo. Affected: yes. Observed: 1 variant allele.

GeneDx
Classification: Pathogenic. Last evaluated: 2023-06-09. Review status: criteria provided, single submitter. Criteria: GeneDx Variant Classification Process June 2021. Collection method: clinical testing. Allele origin: germline. Affected: yes.
Comment: Reported in a patient with Alagille syndrome in published literature (Vazquez-Martinez et al., 2014); Nonsense variant predicted to result in protein truncation or nonsense mediated decay in a gene for which loss of function is a known mechanism of disease; Not observed at significant frequency in large population cohorts (gnomAD); This variant is associated with the following publications: (PMID: 37158195, 33465531, 37245339, 25606387)